The following is an entry in ClinVar:

ClinVar aggregate classification (germline): Uncertain significance (1 of 4 stars; one submission).

Conditions:
Combined immunodeficiency due to LRBA deficiency. Also called: Common variable immunodeficiency 8, with autoimmunity. Identifiers: Orphanet 445018, MedGen C3553512, MONDO:0013863, OMIM 614700.

Allele frequency attached by ClinVar (database versions not stated): gnomAD exomes below 0.00001 and 0.00001; gnomAD 0.00001; ExAC 0.00002.
gnomAD v4.1: 5 of 1,391,250 alleles (0.00036%); highest among the groups gnomAD compares: Non-Finnish European, 0.0005%; no homozygotes.

Submission:

Labcorp Genetics (formerly Invitae), Labcorp
Classification: Uncertain significance for Common variable immunodeficiency 8, with autoimmunity. Last evaluated: 2018-10-20. Review status: criteria provided, single submitter. Criteria: Invitae Variant Classification Sherloc (09022015). Collection method: clinical testing. Allele origin: germline.
Comment: This sequence change replaces serine with asparagine at codon 2025 of the LRBA protein (p.Ser2025Asn). The serine residue is weakly conserved and there is a small physicochemical difference between serine and asparagine. This variant is present in population databases (rs753014789, ExAC 0.003%). This variant has not been reported in the literature in individuals with LRBA-related disease. Algorithms developed to predict the effect of missense changes on protein structure and function output the following: SIFT: "Tolerated"; PolyPhen-2: "Benign"; Align-GVGD: "Class C0". The asparagine amino acid residue is found in multiple mammalian species, suggesting that this missense change does not adversely affect protein function. These predictions have not been confirmed by published functional studies and their clinical significance is uncertain. In summary, the available evidence is currently insufficient to determine the role of this variant in disease. Therefore, it has been classified as a Variant of Uncertain Significance.

NM_001364905.1(LRBA):c.6046+1919G>A

Gene: LRBA (LPS responsive beige-like anchor protein; minus strand). Cytogenetic location: 4q31.3.
Variant type: single nucleotide variant.
Coding change: c.6046+1919G>A on transcript NM_001364905.1 (MANE Select); 1919 bases into the intron after coding-DNA position 6046, G replaced by A.
Molecular consequence: intron variant. On other transcripts: missense variant (2).
Genome position (GRCh38, 1-based): chr4:150,597,088, C>T on the plus strand (G>A on the coding strand, the complement: LRBA is on the minus strand). VCF-style: chr4-150597088-C-T. GRCh37 (hg19) VCF-style: chr4-151518240-C-T.
Other names: c.6074G>A, p.Ser2025Asn (NM_001440430.1, NM_006726.5); c.6046+1919G>A (NM_001367550.1, NM_001199282.3, NM_001440431.1); short protein forms S2025N.
Identifiers: ClinVar variation 649668 (VCV000649668.1), dbSNP rs753014789, ClinGen allele CA3102251.